The following is an entry in ClinVar:

ClinVar aggregate classification (germline): Uncertain significance. Review status: criteria provided, multiple submitters, no conflicts (2 of 4 stars). 3 submissions from 3 submitters: Uncertain significance (3). Last evaluated 2026-05-14.

Conditions:
Inborn genetic diseases. Identifiers: MedGen C0950123, MeSH D030342.
Acute myeloid leukemia (AML). Also called: Acute myeloid leukemia, adult; AML adult; Acute non-lymphocytic leukemia; Acute granulocytic leukemia; Leukemia, acute myelogenous, somatic; Leukemia, acute myeloid, somatic. Identifiers: Orphanet 519, MedGen C0023467, MeSH D015470, MONDO:0018874, OMIM 601626, HP:0004808. Disease mechanism: Constitutively activated FLT3.

Submissions (3):

Ambry Genetics
Classification: Uncertain significance for Inborn genetic diseases. Last evaluated: 2026-05-14. Review status: criteria provided, single submitter. Criteria: Ambry Variant Classification Scheme 2023. Collection method: clinical testing. Allele origin: germline.
Comment: The p.P11R variant (also known as c.32C>G), located in coding exon 1 of the CEBPA gene, results from a C to G substitution at nucleotide position 32. The proline at codon 11 is replaced by arginine, an amino acid with dissimilar properties. This amino acid position is conserved. In addition, this alteration is predicted to be tolerated by in silico analysis. Based on the available evidence, the clinical significance of this variant remains unclear.

Baylor Genetics
Classification: Uncertain significance for Acute myeloid leukemia. Last evaluated: 2023-12-19. Review status: criteria provided, single submitter. Criteria: ACMG Guidelines, 2015. Collection method: clinical testing. Allele origin: unknown.

Labcorp Genetics (formerly Invitae), Labcorp
Classification: Uncertain significance for Acute myeloid leukemia. Last evaluated: 2023-05-31. Review status: criteria provided, single submitter. Criteria: Invitae Variant Classification Sherloc (09022015). Collection method: clinical testing. Allele origin: germline.
Comment: This variant is not present in population databases (gnomAD no frequency). This sequence change replaces proline, which is neutral and non-polar, with arginine, which is basic and polar, at codon 11 of the CEBPA protein (p.Pro11Arg). In summary, the available evidence is currently insufficient to determine the role of this variant in disease. Therefore, it has been classified as a Variant of Uncertain Significance. An algorithm developed to predict the effect of missense changes on protein structure and function (PolyPhen-2) suggests that this variant is likely to be tolerated. ClinVar contains an entry for this variant (Variation ID: 947310). This variant has not been reported in the literature in individuals affected with CEBPA-related conditions.

NM_004364.5(CEBPA):c.32C>G (p.Pro11Arg)

Genes: CEBPA (CCAAT enhancer binding protein alpha; minus strand), LOC130064183 (ATAC-STARR-seq lymphoblastoid silent region 10495; plus strand). Cytogenetic location: 19q13.11.
Variant type: single nucleotide variant.
Coding change: c.32C>G on transcript NM_004364.5 (MANE Select); coding-DNA position 32, C replaced by G.
Protein change: p.Pro11Arg; replaces proline 11 with arginine.
Molecular consequence: missense variant. On other transcripts: 5 prime UTR variant (2).
Genome position (GRCh38, 1-based): chr19:33,302,383, G>C on the plus strand (C>G on the coding strand, the complement: CEBPA is on the minus strand). VCF-style: chr19-33302383-G-C. GRCh37 (hg19) VCF-style: chr19-33793289-G-C.
Other names: c.-326C>G (NM_001285829.2); c.137C>G, p.Pro46Arg (NM_001287424.2); c.-11C>G (NM_001287435.2); c.32C>G (NM_004364.3); short protein forms P11R, P46R.
Identifiers: ClinVar variation 947310 (VCV000947310.10), dbSNP rs1967204111, ClinGen allele CA405275820.